The following is an entry in ClinVar:

ClinVar aggregate classification (germline): Uncertain significance (1 of 4 stars; one submission).

Allele frequency attached by ClinVar (database versions not stated): gnomAD exomes below 0.00001.
gnomAD v4.1: 2 of 1,614,254 alleles (0.00012%); highest among the groups gnomAD compares: Non-Finnish European, 0.00017%; no homozygotes.

Submission:

GeneDx
Classification: Uncertain significance. Last evaluated: 2022-05-13. Review status: criteria provided, single submitter. Criteria: GeneDx Variant Classification Process June 2021. Collection method: clinical testing. Allele origin: germline. Affected: yes.
Comment: Not observed at significant frequency in large population cohorts (gnomAD); In silico analysis supports that this missense variant has a deleterious effect on protein structure/function; Has not been previously published as pathogenic or benign to our knowledge.

NM_015001.3(SPEN):c.5782A>G (p.Arg1928Gly)

Gene: SPEN (spen family transcriptional repressor; plus strand). Cytogenetic location: 1p36.13.
Variant type: single nucleotide variant.
Coding change: c.5782A>G on transcript NM_015001.3 (MANE Select); coding-DNA position 5782, A replaced by G.
Protein change: p.Arg1928Gly; replaces arginine 1928 with glycine.
Molecular consequence: missense variant.
Genome position (GRCh38, 1-based): chr1:15,932,022, A>G. VCF-style: chr1-15932022-A-G. GRCh37 (hg19) VCF-style: chr1-16258517-A-G.
Other names: short protein forms R1928G.
Identifiers: ClinVar variation 1800558 (VCV001800558.1), dbSNP rs2523083763, ClinGen allele CA338628897.